The following is an entry in ClinVar:

NM_000018.4(ACADVL):c.841G>C (p.Ala281Pro)

Gene: ACADVL (acyl-CoA dehydrogenase very long chain; plus strand). Cytogenetic location: 17p13.1.
Variant type: single nucleotide variant.
Coding change: c.841G>C on transcript NM_000018.4 (MANE Select); coding-DNA position 841, G replaced by C.
Protein change: p.Ala281Pro; replaces alanine 281 with proline.
Molecular consequence: missense variant.
Genome position (GRCh38, 1-based): chr17:7,222,265, G>C. VCF-style: chr17-7222265-G-C. GRCh37 (hg19) VCF-style: chr17-7125584-G-C.
Other names: c.775G>C, p.Ala259Pro (NM_001033859.3); c.910G>C, p.Ala304Pro (NM_001270447.2); c.613G>C, p.Ala205Pro (NM_001270448.2); short protein forms A205P, A259P, A281P, A304P.
Identifiers: ClinVar variation 1060541 (VCV001060541.7), dbSNP rs2142978096, ClinGen allele CA397723800.

ClinVar aggregate classification (germline): Uncertain significance. Review status: criteria provided, multiple submitters, no conflicts (2 of 4 stars). 2 submissions from 2 submitters: Uncertain significance (2). Last evaluated 2024-08-12.

Conditions:
Very long chain acyl-CoA dehydrogenase deficiency (ACADVLD). Also called: VLCAD Deficiency; Very Long-Chain Acyl-Coenzyme A Dehydrogenase Deficiency. Identifiers: Orphanet 26793, MedGen C3887523, MONDO:0008723, OMIM 201475.

Submissions (2):

Women's Health and Genetics/Laboratory Corporation of America, LabCorp
Classification: Uncertain significance. Last evaluated: 2024-08-12. Review status: criteria provided, single submitter. Criteria: LabCorp Variant Classification Summary - May 2015. Collection method: clinical testing. Allele origin: germline.

Labcorp Genetics (formerly Invitae), Labcorp
Classification: Uncertain significance for Very long chain acyl-CoA dehydrogenase deficiency. Last evaluated: 2021-08-30. Review status: criteria provided, single submitter. Criteria: Invitae Variant Classification Sherloc (09022015). Collection method: clinical testing. Allele origin: germline.
Comment: This sequence change replaces alanine with proline at codon 281 of the ACADVL protein (p.Ala281Pro). The alanine residue is highly conserved and there is a small physicochemical difference between alanine and proline. This variant is not present in population databases (ExAC no frequency). This variant has not been reported in the literature in individuals affected with ACADVL-related conditions. Algorithms developed to predict the effect of missense changes on protein structure and function (SIFT, PolyPhen-2, Align-GVGD) all suggest that this variant is likely to be disruptive. In summary, the available evidence is currently insufficient to determine the role of this variant in disease. Therefore, it has been classified as a Variant of Uncertain Significance.